The following is an entry in ClinVar:

ClinVar aggregate classification (germline): Benign/Likely benign. Review status: criteria provided, multiple submitters, no conflicts (2 of 4 stars). 3 submissions from 3 submitters: Benign (1); Likely benign (2). Last evaluated 2026-07-14.

Conditions:
Rhabdoid tumor predisposition syndrome 2 (RTPS2). Identifiers: Orphanet 231108, Orphanet 69077, MedGen C2750074, MONDO:0013224, OMIM 613325.
Hereditary cancer-predisposing syndrome. Also called: Hereditary Cancer Syndrome; Hereditary neoplastic syndrome; Neoplastic Syndromes, Hereditary; Tumor predisposition. Identifiers: Orphanet 140162, MedGen C0027672, MeSH D009386, MONDO:0015356.

Allele frequency attached by ClinVar (database versions not stated): gnomAD exomes below 0.00001.
gnomAD v4.1: 4 of 1,614,124 alleles (0.00025%); highest among the groups gnomAD compares: Non-Finnish European, 0.00034%; no homozygotes.

Submissions (3):

Myriad Genetics, Inc.
Classification: Benign for Rhabdoid tumor predisposition syndrome 2. Last evaluated: 2026-07-14. Review status: criteria provided, single submitter. Criteria: Myriad Autosomal Dominant, Autosomal Recessive and X-Linked Classification Criteria (2023). Collection method: clinical testing. Allele origin: unknown.
Comment: This variant is considered benign. This variant is a silent/synonymous amino acid change and it is not expected to impact splicing.

Labcorp Genetics (formerly Invitae), Labcorp
Classification: Likely benign for Rhabdoid tumor predisposition syndrome 2. Last evaluated: 2025-12-31. Review status: criteria provided, single submitter. Criteria: Invitae Variant Classification Sherloc (09022015). Collection method: clinical testing. Allele origin: germline.

Ambry Genetics
Classification: Likely benign for Hereditary cancer-predisposing syndrome. Last evaluated: 2016-05-20. Review status: criteria provided, single submitter. Criteria: Ambry Variant Classification Scheme 2023. Collection method: clinical testing. Allele origin: germline.

NM_003072.5(SMARCA4):c.3285C>G (p.Thr1095=)

Gene: SMARCA4 (SWI/SNF related BAF chromatin remodeling complex subunit ATPase 4; plus strand). Cytogenetic location: 19p13.2.
Variant type: single nucleotide variant.
Coding change: c.3285C>G on transcript NM_003072.5 (MANE Select); coding-DNA position 3285, C replaced by G.
Protein change: p.Thr1095=; no amino-acid change (threonine 1095 retained).
Molecular consequence: synonymous variant. On other transcripts: non-coding transcript variant (1).
Genome position (GRCh38, 1-based): chr19:11,027,853, C>G. VCF-style: chr19-11027853-C-G. GRCh37 (hg19) VCF-style: chr19-11138529-C-G.
Other names: c.3285C>G, p.Thr1095= (NM_001128844.3, NM_001128845.2, NM_001128846.2 and 5 more transcripts).
Identifiers: ClinVar variation 470344 (VCV000470344.16), dbSNP rs1314371535, ClinGen allele CA505491778.